The following is an entry in ClinVar:

NM_005591.4(MRE11):c.1892C>G (p.Pro631Arg)

Gene: MRE11 (MRE11 double strand break repair nuclease; minus strand). Cytogenetic location: 11q21.
Variant type: single nucleotide variant.
Coding change: c.1892C>G on transcript NM_005591.4 (MANE Select); coding-DNA position 1892, C replaced by G.
Protein change: p.Pro631Arg; replaces proline 631 with arginine.
Molecular consequence: missense variant.
Genome position (GRCh38, 1-based): chr11:94,437,211, G>C on the plus strand (C>G on the coding strand, the complement: MRE11 is on the minus strand). VCF-style: chr11-94437211-G-C. GRCh37 (hg19) VCF-style: chr11-94170377-G-C.
Other names: c.1889C>G, p.Pro630Arg (NM_001330347.2); c.1808C>G, p.Pro603Arg (NM_005590.4); short protein forms P631R, P630R, P603R.
Identifiers: ClinVar variation 481786 (VCV000481786.14), dbSNP rs1555002427, ClinGen allele CA382374782.
Genomic context (GRCh38, chr11:94,437,211, plus strand): 5'-CACAACCATAAAACTTTTTTTCTTACCTCTGAATAATTCTTAGTAGTGACATTTCGGGAA[G>C]GCTGCTGTCTTGTAGATTTAAAGGCTAGAATGAAAAAGATGAAATGTGCATTATGTTATT-3'
Protein context (NP_005582.1, residues 621-641): IDAFKSTRQQ[Pro631Arg]SRNVTTKNYS

ClinVar aggregate classification (germline): Uncertain significance. Review status: criteria provided, multiple submitters, no conflicts (2 of 4 stars). 2 submissions from 2 submitters: Uncertain significance (2). Last evaluated 2024-07-17.

Conditions:
Hereditary cancer-predisposing syndrome. Also called: Neoplastic Syndromes, Hereditary; Tumor predisposition; Hereditary Cancer Syndrome; Hereditary neoplastic syndrome. Identifiers: Orphanet 140162, MedGen C0027672, MeSH D009386, MONDO:0015356.
Ataxia-telangiectasia-like disorder (ATLD). Identifiers: MedGen C1858391, MONDO:0011457.

Submissions (2):

Labcorp Genetics (formerly Invitae), Labcorp
Classification: Uncertain significance for Ataxia-telangiectasia-like disorder. Last evaluated: 2024-07-17. Review status: criteria provided, single submitter. Criteria: Invitae Variant Classification Sherloc (09022015). Collection method: clinical testing. Allele origin: germline.
Comment: This sequence change replaces proline, which is neutral and non-polar, with arginine, which is basic and polar, at codon 631 of the MRE11 protein (p.Pro631Arg). This variant is not present in population databases (gnomAD no frequency). This variant has not been reported in the literature in individuals affected with MRE11-related conditions. ClinVar contains an entry for this variant (Variation ID: 481786). An algorithm developed to predict the effect of missense changes on protein structure and function (PolyPhen-2) suggests that this variant is likely to be disruptive. In summary, the available evidence is currently insufficient to determine the role of this variant in disease. Therefore, it has been classified as a Variant of Uncertain Significance.

Ambry Genetics
Classification: Uncertain significance for Hereditary cancer-predisposing syndrome. Last evaluated: 2017-08-25. Review status: criteria provided, single submitter. Criteria: Ambry Variant Classification Scheme 2023. Collection method: clinical testing. Allele origin: germline.
Comment: The p.P631R variant (also known as c.1892C>G), located in coding exon 16 of the MRE11A gene, results from a C to G substitution at nucleotide position 1892. The proline at codon 631 is replaced by arginine, an amino acid with dissimilar properties. This amino acid position is highly conserved in available vertebrate species. In addition, the in silico prediction for this alteration is inconclusive. Since supporting evidence is limited at this time, the clinical significance of this alteration remains unclear.